The following is an entry in ClinVar:

NM_001267550.2(TTN):c.29962+9G>A

Gene: TTN (titin; minus strand). Cytogenetic location: 2q31.2.
Variant type: single nucleotide variant.
Coding change: c.29962+9G>A on transcript NM_001267550.2 (MANE Select); 9 bases into the intron after coding-DNA position 29962, G replaced by A.
Molecular consequence: intron variant.
Genome position (GRCh38, 1-based): chr2:178,704,501, C>T on the plus strand (G>A on the coding strand, the complement: TTN is on the minus strand). VCF-style: chr2-178704501-C-T. GRCh37 (hg19) VCF-style: chr2-179569228-C-T.
Other names: c.13282+33581G>A (NM_003319.4); c.13858+33581G>A (NM_133437.4); c.13657+33581G>A (NM_133432.3); c.26230+9G>A (NM_133378.4); c.29011+9G>A (NM_001256850.1).
Identifiers: ClinVar variation 5002250 (VCV005002250.1).

ClinVar aggregate classification (germline): Likely benign (1 of 4 stars; one submission).

Conditions:
TTN-related disorder. Also called: TTN-related condition; TTN-related disease; TTN-related disorders.

gnomAD v4.1: 2 of 1,601,116 alleles (0.00012%); highest among the groups gnomAD compares: African/African-American, 0.0027%; no homozygotes.

Submission:

PreventionGenetics, part of Exact Sciences
Classification: Likely benign for TTN-related condition. Last evaluated: 2025-11-13. Review status: criteria provided, single submitter. Criteria: ACMG Guidelines, 2015. Collection method: clinical testing. Allele origin: germline.
Comment: This variant is classified as likely benign based on ACMG/AMP sequence variant interpretation guidelines (Richards et al. 2015 PMID: 25741868, with internal and published modifications).